The following is an entry in ClinVar:

ClinVar aggregate classification (germline): Conflicting classifications of pathogenicity. Review status: criteria provided, conflicting classifications (1 of 4 stars). 7 submissions from 7 submitters: Uncertain significance (1); Likely benign (4). 2 of the submissions do not count toward it. Last evaluated 2026-06-12.

Conditions:
PDGFRA-related disorder. Also called: PDGFRA-related condition.
Polyps, multiple and recurrent inflammatory fibroid, gastrointestinal. Identifiers: MedGen C5193005, MONDO:0008285, OMIM 175510.
Hereditary cancer-predisposing syndrome. Also called: Tumor predisposition; Neoplastic Syndromes, Hereditary; Hereditary neoplastic syndrome; Hereditary Cancer Syndrome. Identifiers: Orphanet 140162, MedGen C0027672, MeSH D009386, MONDO:0015356.
Gastrointestinal stromal tumor. Also called: Gastrointestinal stromal tumor, somatic; Gastrointestinal stroma tumor. Identifiers: Orphanet 44890, MedGen C0238198, MeSH D046152, MONDO:0011719, OMIM 606764, HP:0100723.

Allele frequency attached by ClinVar (database versions not stated): gnomAD 0.00011 and 0.00010; TOPMed 0.00011; ESP Exome Variant Server 0.00015; 1000 Genomes Project 30x 0.00016; ExAC 0.00018; 1000 Genomes Project 0.00020; gnomAD exomes 0.00022.

Submissions (7):

Myriad Genetics, Inc.
Classification: Likely benign for Polyps, multiple and recurrent inflammatory fibroid, gastrointestinal. Last evaluated: 2026-06-12. Review status: criteria provided, single submitter. Criteria: Myriad Autosomal Dominant, Autosomal Recessive and X-Linked Classification Criteria (2023). Collection method: clinical testing. Allele origin: unknown.
Comment: This variant is considered likely benign. This variant has been observed at a population frequency that is significantly greater than expected given the associated disease prevalence and penetrance.

Labcorp Genetics (formerly Invitae), Labcorp
Classification: Likely benign for Gastrointestinal stromal tumor. Last evaluated: 2026-02-03. Review status: criteria provided, single submitter. Criteria: Invitae Variant Classification Sherloc (09022015). Collection method: clinical testing. Allele origin: germline.

GeneDx
Classification: Uncertain significance. Last evaluated: 2025-07-02. Review status: criteria provided, single submitter. Criteria: GeneDx Variant Classification Process June 2021. Collection method: clinical testing. Allele origin: germline. Affected: yes.
Comment: In silico analysis suggests that this missense variant does not alter protein structure/function; This variant is associated with the following publications: (PMID: 22703879, 35534704)

Blueprint Genetics
Classification: Likely benign. Last evaluated: 2024-11-20. Review status: criteria provided, single submitter. Criteria: ACMG Guidelines, 2015. Collection method: clinical testing. Allele origin: germline.

Ambry Genetics
Classification: Likely benign for Hereditary cancer-predisposing syndrome. Last evaluated: 2019-08-22. Review status: criteria provided, single submitter. Criteria: Ambry Variant Classification Scheme 2023. Collection method: clinical testing. Allele origin: germline.

PreventionGenetics, part of Exact Sciences
Classification: Likely benign for PDGFRA-related condition. Last evaluated: 2020-07-07. Review status: no assertion criteria provided. Collection method: clinical testing. Allele origin: germline. Not counted in ClinVar's aggregate classification.
Comment: This variant is classified as likely benign based on ACMG/AMP sequence variant interpretation guidelines (Richards et al. 2015 PMID: 25741868, with internal and published modifications).

Biesecker Lab/Clinical Genomics Section, National Institutes of Health
Classification: Uncertain significance. Last evaluated: 2012-07-13. Review status: no assertion criteria provided. Collection method: research. Allele origin: germline. Affected: no. Observed: 1 variant allele. Study: ClinSeq. Not counted in ClinVar's aggregate classification.
ClinVar note: Converted during submission from variant of unknown significance to Uncertain significance.

NM_006206.6(PDGFRA):c.1099G>A (p.Val367Met)

Gene: PDGFRA (platelet derived growth factor receptor alpha; plus strand). Cytogenetic location: 4q12.
Variant type: single nucleotide variant.
Coding change: c.1099G>A on transcript NM_006206.6 (MANE Select); coding-DNA position 1099, G replaced by A.
Protein change: p.Val367Met; replaces valine 367 with methionine.
Molecular consequence: missense variant.
Genome position (GRCh38, 1-based): chr4:54,267,719, G>A. VCF-style: chr4-54267719-G-A. GRCh37 (hg19) VCF-style: chr4-55133886-G-A.
Other names: c.1099G>A (NM_006206.5); c.1099G>A, p.Val367Met (NM_001347827.2, NM_001347829.2); c.1174G>A, p.Val392Met (NM_001347828.2); c.1138G>A, p.Val380Met (NM_001347830.2); short protein forms V367M, V392M, V380M.
Identifiers: ClinVar variation 41791 (VCV000041791.24), dbSNP rs147982027, ClinGen allele CA215852.
Genomic context (GRCh38, chr4:54,267,719, plus strand): 5'-ATATCCTGGCTGAAAAACAATCTGACTCTGATTGAAAATCTCACTGAGATCACCACTGAT[G>A]TGGAAAAGATTCAGGAAATAAGGTAAAGAAACTCTCTGCCCAAGTATGCCTTTTTTTAGT-3'
Protein context (NP_006197.1, residues 357-377): IENLTEITTD[Val367Met]EKIQEIRYRS